The following is an entry in ClinVar:

NM_006474.5(PDPN):c.-34C>T

Gene: PDPN (podoplanin; plus strand). Cytogenetic location: 1p36.21.
Variant type: single nucleotide variant.
Coding change: c.-34C>T on transcript NM_006474.5 (MANE Select); 34 bases upstream of the start codon, C replaced by T.
Molecular consequence: 5 prime UTR variant. On other transcripts: synonymous variant (1).
Genome position (GRCh38, 1-based): chr1:13,584,000, C>T. VCF-style: chr1-13584000-C-T. GRCh37 (hg19) VCF-style: chr1-13910495-C-T.
Other names: c.195C>T, p.Leu65= (NM_198389.2).
Identifiers: ClinVar variation 4084687 (VCV004084687.8).

ClinVar aggregate classification (germline): Likely benign (1 of 4 stars; one submission).

gnomAD v4.1: 231 of 1,613,542 alleles (0.014%); highest among the groups gnomAD compares: Admixed American, 0.027%; no homozygotes.

Submission:

CeGaT Center for Human Genetics Tuebingen
Classification: Likely benign. Last evaluated: 2025-10-01. Review status: criteria provided, single submitter. Criteria: CeGaT Center For Human Genetics Tuebingen Variant Classification Criteria Version 2. Collection method: clinical testing. Allele origin: germline. Affected: yes. Observed: 2 variant alleles.
Comment: PDPN: BP4, BP7